The following is an entry in ClinVar:

NM_000823.4(GHRHR):c.458C>T (p.Ala153Val)

Gene: GHRHR (growth hormone releasing hormone receptor; plus strand). Cytogenetic location: 7p14.3.
Variant type: single nucleotide variant.
Coding change: c.458C>T on transcript NM_000823.4 (MANE Select); coding-DNA position 458, C replaced by T.
Protein change: p.Ala153Val; replaces alanine 153 with valine.
Molecular consequence: missense variant.
Genome position (GRCh38, 1-based): chr7:30,971,210, C>T. VCF-style: chr7-30971210-C-T. GRCh37 (hg19) VCF-style: chr7-31010825-C-T.
Other names: short protein forms A153V.
Identifiers: ClinVar variation 4535749 (VCV004535749.1).
Genomic context (GRCh38, chr7:30,971,210, plus strand): 5'-ACACCGTGGGCCATAGCATCTCTATTGTAGCCCTCTTCGTGGCCATCACCATCCTGGTTG[C>T]TCTCAGGTTTGTCATCCTCATCACCAGCTCAAGAACCTTCCTTGGCTCCTTATTTCCCAG-3'
Protein context (NP_000814.2, residues 143-163): ALFVAITILV[Ala153Val]LRRLHCPRNY

ClinVar aggregate classification (germline): Uncertain significance (1 of 4 stars; one submission).

gnomAD v4.1: 3 of 1,438,886 alleles (0.00021%); highest among the groups gnomAD compares: Non-Finnish European, 0.00029%; no homozygotes.

Submission:

Women's Health and Genetics/Laboratory Corporation of America, LabCorp
Classification: Uncertain significance. Last evaluated: 2025-09-05. Review status: criteria provided, single submitter. Criteria: LabCorp Variant Classification Summary - May 2015. Collection method: clinical testing. Allele origin: germline.
Comment: Variant summary: GHRHR c.458C>T (p.Ala153Val) results in a non-conservative amino acid change in the encoded protein sequence. Algorithms developed to predict the effect of missense changes on protein structure and function are either unavailable or do not agree on the potential impact of this missense change. The variant allele was found at a frequency of 1.2e-05 in 162344 control chromosomes. The available data on variant occurrences in the general population are insufficient to allow any conclusion about variant significance. To our knowledge, no occurrence of c.458C>T in individuals affected with GHRHR-related conditions and no experimental evidence demonstrating its impact on protein function have been reported. No submitters have cited clinical-significance assessments for this variant to ClinVar. Based on the evidence outlined above, the variant was classified as uncertain significance.